The following is an entry in ClinVar:

NM_001347721.2(DYRK1A):c.1520-2A>G

Gene: DYRK1A (dual specificity tyrosine phosphorylation regulated kinase 1A; plus strand). Cytogenetic location: 21q22.13.
Variant type: single nucleotide variant.
Coding change: c.1520-2A>G on transcript NM_001347721.2 (MANE Select); the canonical splice acceptor site of the intron before coding-DNA position 1520, A replaced by G.
Molecular consequence: splice acceptor variant. On other transcripts: intron variant (1).
Genome position (GRCh38, 1-based): chr21:37,506,097, A>G. VCF-style: chr21-37506097-A-G. GRCh37 (hg19) VCF-style: chr21-38878400-A-G.
Other names: c.1547-2A>G (NM_001396.5, NM_101395.2); c.1520-2A>G (NM_001347722.2, NM_130436.2); c.1433-2A>G (NM_001347723.2); c.1546+508A>G (NM_130438.2).
Identifiers: ClinVar variation 451546 (VCV000451546.1), dbSNP rs1555991325, ClinGen allele CA409938781.

ClinVar aggregate classification (germline): Likely pathogenic (1 of 4 stars; one submission).

Submission:

GeneDx
Classification: Likely pathogenic. Last evaluated: 2017-09-07. Review status: criteria provided, single submitter. Criteria: GeneDx Variant Classification (06012015). Collection method: clinical testing. Allele origin: germline. Affected: yes.
Comment: The c.1547-2A>G variant in the DYRK1A gene has not been reported previously as a pathogenic variant nor as a benign variant, to our knowledge. This splice site variant destroys the canonical splice acceptor site in intron 9. It is predicted to cause abnormal gene splicing, either leading to an abnormal message that is subject to nonsense-mediated mRNA decay, or to an abnormal protein product if the message is used for protein translation. The c.1547-2A>G variant is not observed in large population cohorts (Lek et al., 2016; 1000 Genomes Consortium et al., 2015; Exome Variant Server). We interpret c.1547-2A>G as a likely pathogenic variant.